The following is an entry in ClinVar:

ClinVar aggregate classification (germline): Pathogenic (1 of 4 stars; one submission).

Conditions:
Autoimmune lymphoproliferative syndrome type 2B. Also called: AUTOIMMUNE LYMPHOPROLIFERATIVE SYNDROME, TYPE IIB. Identifiers: Orphanet 275517, MedGen C1846545, MONDO:0011804, OMIM 607271.

Submission:

Labcorp Genetics (formerly Invitae), Labcorp
Classification: Pathogenic for Autoimmune lymphoproliferative syndrome type 2B. Last evaluated: 2019-10-21. Review status: criteria provided, single submitter. Criteria: Invitae Variant Classification Sherloc (09022015). Collection method: clinical testing. Allele origin: germline.
Comment: This variant is present in population databases (rs765672355, ExAC 0.005%). This sequence change creates a premature translational stop signal (p.Val122Thrfs*31) in the CASP8 gene. It is expected to result in an absent or disrupted protein product. This variant has not been reported in the literature in individuals with CASP8-related conditions. For these reasons, this variant has been classified as Pathogenic. Loss-of-function variants in CASP8 are known to be pathogenic (PMID: 12353035, 25814141).

Literature cited by the submitters: PubMed 12353035; PubMed 25814141.

NM_001372051.1(CASP8):c.306-1949_306-1947delinsC

Gene: CASP8 (caspase 8; plus strand). Cytogenetic location: 2q33.1.
Variant type: Indel.
Coding change: c.306-1949_306-1947delinsC on transcript NM_001372051.1 (MANE Select); 1949 bases into the intron before coding-DNA position 306 through 1947 bases into the intron before coding-DNA position 306, TGT replaced by C.
Molecular consequence: intron variant. On other transcripts: frameshift variant (2).
Genome position (GRCh38, 1-based): chr2:201,269,567-201,269,569, TGT replaced by C. VCF-style: chr2-201269567-TGT-C. GRCh37 (hg19) VCF-style: chr2-202134290-TGT-C.
Other names: c.306-1949_306-1947delinsC (NM_001400663.1, NM_001400657.1, NM_001400660.1 and 20 more transcripts); c.-227-1949_-227-1947delinsC (NM_001400677.1, NM_001400750.1, NM_001400751.1 and 6 more transcripts); c.-4-1949_-4-1947delinsC (NM_001400669.1); c.-306-1949_-306-1947delinsC (NM_001400680.1); c.483-1949_483-1947delinsC (NM_001080125.2, NM_001400642.1, NM_001400665.1); c.363_365delTGTinsC, p.Val122Thrfs (NM_001228.4); c.363_365delinsC, p.Val122fs (NM_001228.5); c.-408-1949_-408-1947delinsC (NM_001400674.1); short protein forms V122fs.
Identifiers: ClinVar variation 968654 (VCV000968654.6), dbSNP rs765672355, ClinGen allele CA1139657613.